The following is an entry in ClinVar:

NM_002528.7(NTHL1):c.466A>G (p.Ile156Val)

Gene: NTHL1 (nth like DNA glycosylase 1; minus strand). Cytogenetic location: 16p13.3.
Variant type: single nucleotide variant.
Coding change: c.466A>G on transcript NM_002528.7 (MANE Select); coding-DNA position 466, A replaced by G.
Protein change: p.Ile156Val; replaces isoleucine 156 with valine.
Molecular consequence: missense variant. On other transcripts: intron variant (1).
Genome position (GRCh38, 1-based): chr16:2,044,689, T>C on the plus strand (A>G on the coding strand, the complement: NTHL1 is on the minus strand). VCF-style: chr16-2044689-T-C. GRCh37 (hg19) VCF-style: chr16-2094690-T-C.
Other names: c.355-963A>G (NM_001318193.2); c.136A>G, p.Ile46Val (NM_001318194.2); short protein forms I156V, I46V.
Identifiers: ClinVar variation 2772167 (VCV002772167.3), dbSNP rs2548316226, ClinGen allele CA394294240.

ClinVar aggregate classification (germline): Uncertain significance (1 of 4 stars; one submission).

Submission:

Labcorp Genetics (formerly Invitae), Labcorp
Classification: Uncertain significance. Last evaluated: 2023-10-28. Review status: criteria provided, single submitter. Criteria: Invitae Variant Classification Sherloc (09022015). Collection method: clinical testing. Allele origin: germline.
Comment: This sequence change replaces isoleucine, which is neutral and non-polar, with valine, which is neutral and non-polar, at codon 164 of the NTHL1 protein (p.Ile164Val). This variant is not present in population databases (gnomAD no frequency). This variant has not been reported in the literature in individuals affected with NTHL1-related conditions. Algorithms developed to predict the effect of missense changes on protein structure and function output the following: SIFT: "Not Available"; PolyPhen-2: "Benign"; Align-GVGD: "Not Available". The valine amino acid residue is found in multiple mammalian species, which suggests that this missense change does not adversely affect protein function. In summary, the available evidence is currently insufficient to determine the role of this variant in disease. Therefore, it has been classified as a Variant of Uncertain Significance.